The following is an entry in ClinVar:

ClinVar aggregate classification (germline): Uncertain significance (1 of 4 stars; one submission).

Submission:

GeneDx
Classification: Uncertain significance. Last evaluated: 2017-04-18. Review status: criteria provided, single submitter. Criteria: GeneDx Variant Classification (06012015). Collection method: clinical testing. Allele origin: germline. Affected: yes.
Comment: The E1060X variant in the CACNA1G gene has not been reported previously as a pathogenic variant nor as a benign variant, to our knowledge. This variant is predicted to cause loss of normal protein function either through protein truncation or nonsense-mediated mRNA decay. The E1060X variant is not observed in large population cohorts (Lek et al., 2016; 1000 Genomes Consortium et al., 2015; Exome Variant Server). Based on the information available at this time, we interpret E1060X as a variant of uncertain significance.

NM_018896.5(CACNA1G):c.3178G>T (p.Glu1060Ter)

Gene: CACNA1G (calcium voltage-gated channel subunit alpha1 G; plus strand). Cytogenetic location: 17q21.33.
Variant type: single nucleotide variant.
Coding change: c.3178G>T on transcript NM_018896.5 (MANE Select); coding-DNA position 3178, G replaced by T.
Protein change: p.Glu1060Ter; replaces glutamic acid 1060 with a stop codon.
Molecular consequence: nonsense. On other transcripts: non-coding transcript variant (5).
Genome position (GRCh38, 1-based): chr17:50,596,843, G>T. VCF-style: chr17-50596843-G-T. GRCh37 (hg19) VCF-style: chr17-48674204-G-T.
Other names: c.3178G>T, p.Glu1060Ter (NM_001256324.2, NM_001256325.2, NM_001256326.2 and 16 more transcripts); c.3109G>T, p.Glu1037Ter (NM_001256332.2, NM_198376.3, NM_198379.3 and 5 more transcripts); short protein forms E1060*, E1037*.
Identifiers: ClinVar variation 429450 (VCV000429450.2), dbSNP rs768241607, ClinGen allele CA400252339.